The following is an entry in ClinVar:

ClinVar aggregate classification (germline): Likely benign. Review status: criteria provided, multiple submitters, no conflicts (2 of 4 stars). 2 submissions from 2 submitters: Likely benign (2). Last evaluated 2024-09-17.

Allele frequency attached by ClinVar (database versions not stated): gnomAD 0.00003; gnomAD exomes 0.00006; TOPMed 0.00008.
gnomAD v4.1: 84 of 1,549,192 alleles (0.0054%); highest among the groups gnomAD compares: Middle Eastern, 0.083%; no homozygotes.

Submissions (2):

Blueprint Genetics
Classification: Likely benign. Last evaluated: 2024-09-17. Review status: criteria provided, single submitter. Criteria: ACMG Guidelines, 2015. Collection method: clinical testing. Allele origin: germline.

CeGaT Center for Human Genetics Tuebingen
Classification: Likely benign. Last evaluated: 2023-02-01. Review status: criteria provided, single submitter. Criteria: CeGaT Center For Human Genetics Tuebingen Variant Classification Criteria Version 2. Collection method: clinical testing. Allele origin: germline. Affected: yes. Observed: 1 variant allele.
Comment: SETD1B: BP4, BP7

NM_001353345.2(SETD1B):c.2448C>G (p.Pro816=)

Gene: SETD1B (SET domain containing 1B, histone lysine methyltransferase; plus strand). Cytogenetic location: 12q24.31.
Variant type: single nucleotide variant.
Coding change: c.2448C>G on transcript NM_001353345.2 (MANE Select); coding-DNA position 2448, C replaced by G.
Protein change: p.Pro816=; no amino-acid change (proline 816 retained).
Molecular consequence: synonymous variant.
Genome position (GRCh38, 1-based): chr12:121,814,663, C>G. VCF-style: chr12-121814663-C-G. GRCh37 (hg19) VCF-style: chr12-122252569-C-G.
Identifiers: ClinVar variation 2643447 (VCV002643447.25), dbSNP rs902699835, ClinGen allele CA244641551.